The following is an entry in ClinVar:

ClinVar aggregate classification (germline): Uncertain significance (1 of 4 stars; one submission).

gnomAD v4.1: 40 of 1,614,004 alleles (0.0025%); highest among the groups gnomAD compares: African/African-American, 0.012%; 1 homozygote.

Submission:

GeneDx
Classification: Uncertain significance. Last evaluated: 2026-04-21. Review status: criteria provided, single submitter. Criteria: GeneDx Variant Classification Process June 2021. Collection method: clinical testing. Allele origin: germline.
Comment: In silico analysis suggests that this missense variant does not alter protein structure/function; Has not been previously published as pathogenic or benign to our knowledge

NM_003995.4(NPR2):c.3095G>A (p.Arg1032Gln)

Genes: NPR2 (natriuretic peptide receptor 2; plus strand), SPAG8 (sperm associated antigen 8; minus strand). Cytogenetic location: 9p13.3.
Variant type: single nucleotide variant.
Coding change: c.3095G>A on transcript NM_003995.4 (MANE Select); coding-DNA position 3095, G replaced by A.
Protein change: p.Arg1032Gln; replaces arginine 1032 with glutamine.
Molecular consequence: missense variant. On other transcripts: intron variant (2).
Genome position (GRCh38, 1-based): chr9:35,809,396, G>A. VCF-style: chr9-35809396-G-A. GRCh37 (hg19) VCF-style: chr9-35809393-G-A.
Other names: c.3104G>A, p.Arg1035Gln (NM_001378923.1); c.1200+1043C>T (NM_001366760.2); c.1372+8C>T (NM_172312.2); short protein forms R1032Q, R1035Q.
Identifiers: ClinVar variation 5037541 (VCV005037541.1).